The following is an entry in ClinVar:

NM_001352514.2(HLCS):c.2333T>G (p.Leu778Ter)

Gene: HLCS (holocarboxylase synthetase; minus strand). Cytogenetic location: 21q22.13.
Variant type: single nucleotide variant.
Coding change: c.2333T>G on transcript NM_001352514.2 (MANE Select); coding-DNA position 2333, T replaced by G.
Protein change: p.Leu778Ter; replaces leucine 778 with a stop codon.
Molecular consequence: nonsense. On other transcripts: non-coding transcript variant (2).
Genome position (GRCh38, 1-based): chr21:36,756,659, A>C on the plus strand (T>G on the coding strand, the complement: HLCS is on the minus strand). VCF-style: chr21-36756659-A-C. GRCh37 (hg19) VCF-style: chr21-38128960-A-C.
Other names: c.1892T>G, p.Leu631Ter (NM_000411.8, NM_001242784.3, NM_001242785.2 and 4 more transcripts); short protein forms L631*, L778*.
Identifiers: ClinVar variation 2702856 (VCV002702856.3), dbSNP rs2516841193, ClinGen allele CA409919179.

ClinVar aggregate classification (germline): Pathogenic (1 of 4 stars; one submission).

Conditions:
Holocarboxylase synthetase deficiency. Also called: MULTIPLE CARBOXYLASE DEFICIENCY, EARLY ONSET. Identifiers: Orphanet 79242, MedGen C0268581, MONDO:0009666, OMIM 253270.

Submission:

Labcorp Genetics (formerly Invitae), Labcorp
Classification: Pathogenic for Holocarboxylase synthetase deficiency. Last evaluated: 2023-12-13. Review status: criteria provided, single submitter. Criteria: Invitae Variant Classification Sherloc (09022015). Collection method: clinical testing. Allele origin: germline.
Comment: This sequence change creates a premature translational stop signal (p.Leu631*) in the HLCS gene. It is expected to result in an absent or disrupted protein product. Loss-of-function variants in HLCS are known to be pathogenic (PMID: 16134170). This variant is not present in population databases (gnomAD no frequency). This variant has not been reported in the literature in individuals affected with HLCS-related conditions. For these reasons, this variant has been classified as Pathogenic.

Literature cited by the submitters: PubMed 16134170.